The following is an entry in ClinVar:

NM_003238.6(TGFB2):c.1072A>G (p.Thr358Ala)

Gene: TGFB2 (transforming growth factor beta 2; plus strand). Cytogenetic location: 1q41.
Variant type: single nucleotide variant.
Coding change: c.1072A>G on transcript NM_003238.6 (MANE Select); coding-DNA position 1072, A replaced by G.
Protein change: p.Thr358Ala; replaces threonine 358 with alanine.
Molecular consequence: missense variant. On other transcripts: non-coding transcript variant (2).
Genome position (GRCh38, 1-based): chr1:218,437,482, A>G. VCF-style: chr1-218437482-A-G. GRCh37 (hg19) VCF-style: chr1-218610824-A-G.
Other names: c.1156A>G, p.Thr386Ala (NM_001135599.4); short protein forms T358A, T386A.
Identifiers: ClinVar variation 3340348 (VCV003340348.2).

ClinVar aggregate classification (germline): Uncertain significance. Review status: criteria provided, multiple submitters, no conflicts (2 of 4 stars). 2 submissions from 2 submitters: Uncertain significance (2). Last evaluated 2025-12-22.

Conditions:
Loeys-Dietz syndrome 4 (LDS4). Also called: TGFB2-Related Loeys-Dietz Syndrome; ANEURYSM, AORTIC AND CEREBRAL, WITH ARTERIAL TORTUOSITY AND SKELETAL MANIFESTATIONS. Identifiers: MedGen C3553762, MONDO:0013897, OMIM 614816.

gnomAD v4.1: 1 of 1,611,852 alleles (0.000062%); highest among the groups gnomAD compares: Non-Finnish European, 0.000085%; no homozygotes.

Submissions (2):

Labcorp Genetics (formerly Invitae), Labcorp
Classification: Uncertain significance for Loeys-Dietz syndrome 4. Last evaluated: 2025-12-22. Review status: criteria provided, single submitter. Criteria: Invitae Variant Classification Sherloc (09022015). Collection method: clinical testing. Allele origin: germline.
Comment: This sequence change replaces threonine, which is neutral and polar, with alanine, which is neutral and non-polar, at codon 358 of the TGFB2 protein (p.Thr358Ala). This variant is not present in population databases (gnomAD no frequency). This variant has not been reported in the literature in individuals affected with TGFB2-related conditions. ClinVar contains an entry for this variant (Variation ID: 3340348). Invitae Evidence Modeling of protein sequence and biophysical properties (such as structural, functional, and spatial information, amino acid conservation, physicochemical variation, residue mobility, and thermodynamic stability) indicates that this missense variant is not expected to disrupt TGFB2 protein function with a negative predictive value of 80%. In summary, the available evidence is currently insufficient to determine the role of this variant in disease. Therefore, it has been classified as a Variant of Uncertain Significance.

GeneDx
Classification: Uncertain significance. Last evaluated: 2024-01-08. Review status: criteria provided, single submitter. Criteria: GeneDx Variant Classification Process June 2021. Collection method: clinical testing. Allele origin: germline. Affected: yes.
Comment: Has not been previously published as pathogenic or benign to our knowledge; Not observed at significant frequency in large population cohorts (gnomAD); In silico analysis supports that this missense variant has a deleterious effect on protein structure/function